The following is an entry in ClinVar:

NM_001036.6(RYR3):c.2221G>A (p.Val741Met)

Gene: RYR3 (ryanodine receptor 3; plus strand). Cytogenetic location: 15q14.
Variant type: single nucleotide variant.
Coding change: c.2221G>A on transcript NM_001036.6 (MANE Select); coding-DNA position 2221, G replaced by A.
Protein change: p.Val741Met; replaces valine 741 with methionine.
Molecular consequence: missense variant.
Genome position (GRCh38, 1-based): chr15:33,613,239, G>A. VCF-style: chr15-33613239-G-A. GRCh37 (hg19) VCF-style: chr15-33905440-G-A.
Other names: c.2221G>A, p.Val741Met (NM_001243996.4); short protein forms V741M.
Identifiers: ClinVar variation 461890 (VCV000461890.8), dbSNP rs747480589, ClinGen allele CA7458361.
Genomic context (GRCh38, chr15:33,613,239, plus strand): 5'-CCAGGCCGGATACCCAGAGCTGTGGCTTCCATCAACCAGCACCTCCTGAGATCGGATGAC[G>A]TGGTAAGCTGCTGCCTGGACCTCGGGGTGCCCAGCATCTCATTCCGCATCAATGGGCAGC-3'
Protein context (NP_001027.3, residues 731-751): INQHLLRSDD[Val741Met]VSCCLDLGVP

ClinVar aggregate classification (germline): Uncertain significance (1 of 4 stars; one submission).

Conditions:
Epileptic encephalopathy. Identifiers: MedGen C0543888, HP:0200134.

Allele frequency attached by ClinVar (database versions not stated): gnomAD 0.00001; TOPMed 0.00001; gnomAD exomes 0.00002; ExAC 0.00001.
gnomAD v4.1: 11 of 1,613,806 alleles (0.00068%); highest among the groups gnomAD compares: East Asian, 0.0022%; no homozygotes.

Submission:

Labcorp Genetics (formerly Invitae), Labcorp
Classification: Uncertain significance for Epileptic encephalopathy. Last evaluated: 2017-10-18. Review status: criteria provided, single submitter. Criteria: Invitae Variant Classification Sherloc (09022015). Collection method: clinical testing. Allele origin: germline.
Comment: Algorithms developed to predict the effect of missense changes on protein structure and function do not agree on the potential impact of this missense change (SIFT: "Deleterious"; PolyPhen-2: "Probably Damaging"; Align-GVGD: "Class C15"). In summary, the available evidence is currently insufficient to determine the role of this variant in disease. Therefore, it has been classified as a Variant of Uncertain Significance. This variant has not been reported in the literature in individuals with RYR3-related disease. This variant is present in population databases (rs747480589, ExAC 0.002%). This sequence change replaces valine with methionine at codon 741 of the RYR3 protein (p.Val741Met). The valine residue is highly conserved and there is a small physicochemical difference between valine and methionine.